The following is an entry in ClinVar:

ClinVar aggregate classification (germline): Benign. Review status: criteria provided, multiple submitters, no conflicts (2 of 4 stars). 14 submissions from 13 submitters: Benign (11). 3 of the submissions do not count toward it. Last evaluated 2026-02-04.

Conditions:
Collagen 6-related myopathy. Identifiers: MedGen CN117976, MONDO:0100225.
Ullrich congenital muscular dystrophy 1A. Also called: Ullrich congenital muscular dystrophy 1; Intermediate COL6-RD. Identifiers: Orphanet 75840, MedGen C0410179, MONDO:0009681, OMIM 254090.
Bethlem myopathy 1A. Also called: Bethlem myopathy 1; Bethlem Muscular Dystrophy; MYOPATHY, BENIGN CONGENITAL, WITH CONTRACTURES. Identifiers: Orphanet 610, MedGen CN029274, MONDO:0024530, OMIM 158810.

Allele frequency attached by ClinVar (database versions not stated): TOPMed 0.60258; 1000 Genomes Project 0.54493; 1000 Genomes Project 30x 0.54950; gnomAD 0.60426 and 0.59527; ExAC 0.53147; ESP Exome Variant Server 0.62394.
gnomAD v4.1: 888,655 of 1,612,982 alleles (55%); highest among the groups gnomAD compares: African/African-American, 75%; 248,265 homozygotes.

Submissions (14):

Labcorp Genetics (formerly Invitae), Labcorp
Classification: Benign for Bethlem myopathy 1A. Last evaluated: 2026-02-04. Review status: criteria provided, single submitter. Criteria: Invitae Variant Classification Sherloc (09022015). Collection method: clinical testing. Allele origin: germline.

Genome-Nilou Lab
Classification: Benign for Bethlem myopathy 1A. Last evaluated: 2021-07-30. Review status: criteria provided, single submitter. Criteria: ACMG Guidelines, 2015. Collection method: clinical testing. Allele origin: germline. Affected: no.

Genome-Nilou Lab
Classification: Benign for Ullrich congenital muscular dystrophy 1A. Last evaluated: 2021-07-30. Review status: criteria provided, single submitter. Criteria: ACMG Guidelines, 2015. Collection method: clinical testing. Allele origin: germline. Affected: no.

Athena Diagnostics
Classification: Benign. Last evaluated: 2021-06-04. Review status: criteria provided, single submitter. Criteria: Athena Diagnostics Criteria. Collection method: clinical testing. Allele origin: unknown.

Illumina Laboratory Services, Illumina
Classification: Benign for Collagen VI-related myopathy. Last evaluated: 2018-01-12. Review status: criteria provided, single submitter. Criteria: ICSL Variant Classification Criteria 13 December 2019. Collection method: clinical testing. Allele origin: germline.
Comment: This variant was observed in the ICSL laboratory as part of a predisposition screen in an ostensibly healthy population. It had not been previously curated by ICSL or reported in the Human Gene Mutation Database (HGMD: prior to June 1st, 2018), and was therefore a candidate for classification through an automated scoring system. Utilizing variant allele frequency, disease prevalence and penetrance estimates, and inheritance mode, an automated score was calculated to assess if this variant is too frequent to cause the disease. Based on the score and internal cut-off values, a variant classified as benign is not then subjected to further curation. The score for this variant resulted in a classification of benign for this disease.

Mayo Clinic Laboratories, Mayo Clinic
Classification: Benign. Last evaluated: 2017-07-19. Review status: criteria provided, single submitter. Criteria: ACMG Guidelines, 2015. Collection method: clinical testing. Allele origin: germline. Observed: 595 variant alleles.

GeneDx
Classification: Benign. Last evaluated: 2016-01-05. Review status: criteria provided, single submitter. Criteria: GeneDx Variant Classification (06012015). Collection method: clinical testing. Allele origin: germline. Affected: yes.
Comment: This variant is considered likely benign or benign based on one or more of the following criteria: it is a conservative change, it occurs at a poorly conserved position in the protein, it is predicted to be benign by multiple in silico algorithms, and/or has population frequency not consistent with disease.

Eurofins Ntd Llc (ga)
Classification: Benign. Last evaluated: 2014-10-14. Review status: criteria provided, single submitter. Criteria: EGL Classification Definitions 2015. Collection method: clinical testing. Allele origin: germline. Observed: 77 variant alleles, 45 heterozygotes, 32 homozygotes.

Genetic Services Laboratory, University of Chicago
Classification: Benign for AllHighlyPenetrant. Last evaluated: 2013-08-15. Review status: criteria provided, single submitter. Criteria: ACMG Guidelines, 2007. Collection method: clinical testing. Allele origin: germline.

Breakthrough Genomics
Classification: Benign. Review status: criteria provided, single submitter. Criteria: ACMG Guidelines, 2015. Collection method: not provided. Allele origin: germline. Inheritance: Autosomal recessive inheritance. Affected: yes.

PreventionGenetics, part of Exact Sciences
Classification: Benign. Review status: criteria provided, single submitter. Criteria: ACMG Guidelines, 2015. Collection method: clinical testing. Allele origin: germline.

Clinical Genetics, Academic Medical Center
Classification: Benign. Review status: no assertion criteria provided. Collection method: clinical testing. Allele origin: germline. Affected: yes. Study: VKGL Data-share Consensus. Not counted in ClinVar's aggregate classification.

Diagnostic Laboratory, Department of Genetics, University Medical Center Groningen
Classification: Benign. Review status: no assertion criteria provided. Collection method: clinical testing. Allele origin: germline. Affected: yes. Study: VKGL Data-share Consensus. Not counted in ClinVar's aggregate classification.

Joint Genome Diagnostic Labs from Nijmegen and Maastricht, Radboudumc and MUMC+
Classification: Benign. Review status: no assertion criteria provided. Collection method: clinical testing. Allele origin: germline. Affected: yes. Study: VKGL Data-share Consensus. Not counted in ClinVar's aggregate classification.

NM_001848.3(COL6A1):c.1095T>C (p.Gly365=)

Gene: COL6A1 (collagen type VI alpha 1 chain; plus strand). Cytogenetic location: 21q22.3.
Variant type: single nucleotide variant.
Coding change: c.1095T>C on transcript NM_001848.3 (MANE Select); coding-DNA position 1095, T replaced by C.
Protein change: p.Gly365=; no amino-acid change (glycine 365 retained).
Molecular consequence: synonymous variant.
Genome position (GRCh38, 1-based): chr21:45,991,017, T>C. VCF-style: chr21-45991017-T-C. GRCh37 (hg19) VCF-style: chr21-47410931-T-C.
Other names: p.Gly365=.
Identifiers: ClinVar variation 93805 (VCV000093805.34), dbSNP rs1980982, ClinGen allele CA147310.